The following is an entry in ClinVar:

ClinVar aggregate classification (germline): Conflicting classifications of pathogenicity. Review status: criteria provided, conflicting classifications (1 of 4 stars). 2 submissions from 2 submitters: Uncertain significance (1); Likely benign (1). Last evaluated 2024-08-14.

Conditions:
Hereditary spastic paraplegia 47. Also called: Spastic paraplegia 47, autosomal recessive; adaptor protein 4 (AP-4) deficiency syndrome; CEREBRAL PALSY, SPASTIC QUADRIPLEGIC, 5. Identifiers: Orphanet 280763, MedGen C3279738, MONDO:0013551, OMIM 614066.

Allele frequency attached by ClinVar (database versions not stated): gnomAD 0.00003 and 0.00004; TOPMed 0.00005; ESP Exome Variant Server 0.00008.
gnomAD v4.1: 70 of 1,614,072 alleles (0.0043%); highest among the groups gnomAD compares: Non-Finnish European, 0.0053%; no homozygotes.

Submissions (2):

Blueprint Genetics
Classification: Likely benign. Last evaluated: 2024-08-14. Review status: criteria provided, single submitter. Criteria: ACMG Guidelines, 2015. Collection method: clinical testing. Allele origin: germline.

Labcorp Genetics (formerly Invitae), Labcorp
Classification: Uncertain significance for Hereditary spastic paraplegia 47. Last evaluated: 2021-05-27. Review status: criteria provided, single submitter. Criteria: Invitae Variant Classification Sherloc (09022015). Collection method: clinical testing. Allele origin: germline.
Comment: This variant is present in population databases (rs368828060, ExAC 0.01%). In summary, the available evidence is currently insufficient to determine the role of this variant in disease. Therefore, it has been classified as a Variant of Uncertain Significance. Algorithms developed to predict the effect of missense changes on protein structure and function output the following: SIFT: "Tolerated"; PolyPhen-2: "Benign"; Align-GVGD: "Class C0". The cysteine amino acid residue is found in multiple mammalian species, suggesting that this missense change does not adversely affect protein function. These predictions have not been confirmed by published functional studies and their clinical significance is uncertain. This variant has not been reported in the literature in individuals with AP4B1-related conditions. This sequence change replaces arginine with cysteine at codon 624 of the AP4B1 protein (p.Arg624Cys). The arginine residue is weakly conserved and there is a large physicochemical difference between arginine and cysteine.

NM_001253852.3(AP4B1):c.1870C>T (p.Arg624Cys)

Genes: AP4B1 (adaptor related protein complex 4 subunit beta 1; minus strand), AP4B1-AS1 (AP4B1 antisense RNA 1; plus strand). Cytogenetic location: 1p13.2.
Variant type: single nucleotide variant.
Coding change: c.1870C>T on transcript NM_001253852.3 (MANE Select); coding-DNA position 1870, C replaced by T.
Protein change: p.Arg624Cys; replaces arginine 624 with cysteine.
Molecular consequence: missense variant.
Genome position (GRCh38, 1-based): chr1:113,895,415, G>A on the plus strand (C>T on the coding strand, the complement: AP4B1 is on the minus strand). VCF-style: chr1-113895415-G-A. GRCh37 (hg19) VCF-style: chr1-114438037-G-A.
Other names: c.1573C>T, p.Arg525Cys (NM_001253853.3); c.1366C>T, p.Arg456Cys (NM_001308312.2); c.1870C>T, p.Arg624Cys (NM_006594.5); short protein forms R525C, R456C, R624C.
Identifiers: ClinVar variation 1403772 (VCV001403772.9), dbSNP rs368828060, ClinGen allele CA1015680.